The following is an entry in ClinVar:

ClinVar aggregate classification (germline): Uncertain significance. Review status: criteria provided, multiple submitters, no conflicts (2 of 4 stars). 2 submissions from 2 submitters: Uncertain significance (2). Last evaluated 2024-03-28.

Conditions:
Focal segmental glomerulosclerosis 5 (FSGS5). Identifiers: Orphanet 656, MedGen C2750475, MONDO:0013191, OMIM 613237.
Charcot-Marie-Tooth disease dominant intermediate E. Also called: CHARCOT-MARIE-TOOTH NEUROPATHY WITH FOCAL SEGMENTAL GLOMERULONEPHRITIS. Identifiers: Orphanet 93114, MedGen C4302667, MONDO:0013758, OMIM 614455.

gnomAD v4.1: 7 of 1,609,350 alleles (0.00043%); highest among the groups gnomAD compares: African/African-American, 0.0013%; no homozygotes.

Submissions (2):

Labcorp Genetics (formerly Invitae), Labcorp
Classification: Uncertain significance for Charcot-Marie-Tooth disease dominant intermediate E; Focal segmental glomerulosclerosis 5. Last evaluated: 2024-03-28. Review status: criteria provided, single submitter. Criteria: Invitae Variant Classification Sherloc (09022015). Collection method: clinical testing. Allele origin: germline.
Comment: This sequence change replaces arginine, which is basic and polar, with glutamine, which is neutral and polar, at codon 340 of the INF2 protein (p.Arg340Gln). This variant is present in population databases (no rsID available, gnomAD 0.03%). This variant has not been reported in the literature in individuals affected with INF2-related conditions. Advanced modeling of protein sequence and biophysical properties (such as structural, functional, and spatial information, amino acid conservation, physicochemical variation, residue mobility, and thermodynamic stability) has been performed at Invitae for this missense variant, however the output from this modeling did not meet the statistical confidence thresholds required to predict the impact of this variant on INF2 protein function. In summary, the available evidence is currently insufficient to determine the role of this variant in disease. Therefore, it has been classified as a Variant of Uncertain Significance.

Fulgent Genetics
Classification: Uncertain significance for Focal segmental glomerulosclerosis 5; Charcot-Marie-Tooth disease dominant intermediate E. Last evaluated: 2024-01-30. Review status: criteria provided, single submitter. Criteria: ACMG Guidelines, 2015. Collection method: clinical testing. Allele origin: germline.

NM_022489.4(INF2):c.1019G>A (p.Arg340Gln)

Gene: INF2 (inverted formin 2; plus strand). Cytogenetic location: 14q32.33.
Variant type: single nucleotide variant.
Coding change: c.1019G>A on transcript NM_022489.4 (MANE Select); coding-DNA position 1019, G replaced by A.
Protein change: p.Arg340Gln; replaces arginine 340 with glutamine.
Molecular consequence: missense variant. On other transcripts: non-coding transcript variant (1).
Genome position (GRCh38, 1-based): chr14:104,707,286, G>A. VCF-style: chr14-104707286-G-A. GRCh37 (hg19) VCF-style: chr14-105173623-G-A.
Other names: c.1019G>A, p.Arg340Gln (NM_001031714.4, NM_001426862.1, NM_001426863.1 and 2 more transcripts); short protein forms R340Q.
Identifiers: ClinVar variation 3576441 (VCV003576441.3).